The following is an entry in ClinVar:

NM_001098511.3(KIF2A):c.396G>T (p.Gln132His)

Gene: KIF2A (kinesin family member 2A; plus strand). Cytogenetic location: 5q12.1.
Variant type: single nucleotide variant.
Coding change: c.396G>T on transcript NM_001098511.3 (MANE Select); coding-DNA position 396, G replaced by T.
Protein change: p.Gln132His; replaces glutamine 132 with histidine.
Molecular consequence: missense variant.
Genome position (GRCh38, 1-based): chr5:62,352,649, G>T. VCF-style: chr5-62352649-G-T. GRCh37 (hg19) VCF-style: chr5-61648476-G-T.
Other names: c.315G>T, p.Gln105His (NM_001243952.2); c.396G>T, p.Gln132His (NM_001243953.2, NM_004520.5); short protein forms Q105H, Q132H.
Identifiers: ClinVar variation 3604476 (VCV003604476.2).
Genomic context (GRCh38, chr5:62,352,649, plus strand): 5'-GGTTGGTTCAGCACGTGCACGGCCCAGTCAATTTCCTGAACAGTCTTCCTCTGCACAACA[G>T]AATGGTAGTGTTTCAGATATATCTCCAGTTCAAGCTGCAAAAAAGGAATTTGGACCCCCT-3'
Protein context (NP_001091981.1, residues 122-142): QFPEQSSSAQ[Gln132His]NGSVSDISPV

ClinVar aggregate classification (germline): Uncertain significance (1 of 4 stars; one submission).

gnomAD v4.1: 1 of 1,609,844 alleles (0.000062%); highest among the groups gnomAD compares: Admixed American, 0.0017%; no homozygotes.

Submission:

Labcorp Genetics (formerly Invitae), Labcorp
Classification: Uncertain significance. Last evaluated: 2024-06-22. Review status: criteria provided, single submitter. Criteria: Invitae Variant Classification Sherloc (09022015). Collection method: clinical testing. Allele origin: germline.
Comment: This sequence change replaces glutamine, which is neutral and polar, with histidine, which is basic and polar, at codon 132 of the KIF2A protein (p.Gln132His). This variant is not present in population databases (gnomAD no frequency). This variant has not been reported in the literature in individuals affected with KIF2A-related conditions. An algorithm developed to predict the effect of missense changes on protein structure and function (PolyPhen-2) suggests that this variant is likely to be disruptive. In summary, the available evidence is currently insufficient to determine the role of this variant in disease. Therefore, it has been classified as a Variant of Uncertain Significance.